The following is an entry in ClinVar:

ClinVar aggregate classification (germline): Uncertain significance (1 of 4 stars; one submission).

Submission:

GeneDx
Classification: Uncertain significance. Last evaluated: 2023-10-07. Review status: criteria provided, single submitter. Criteria: GeneDx Variant Classification Process June 2021. Collection method: clinical testing. Allele origin: germline. Affected: yes.
Comment: Not observed at significant frequency in large population cohorts (gnomAD); In silico analysis supports that this missense variant has a deleterious effect on protein structure/function; Has not been previously published as pathogenic or benign to our knowledge

NM_153332.4(ERI1):c.869G>A (p.Gly290Glu)

Gene: ERI1 (exoribonuclease 1). Cytogenetic location: 8p23.1.
Variant type: single nucleotide variant.
Coding change: c.869G>A on transcript NM_153332.4 (MANE Select); coding-DNA position 869, G replaced by A.
Protein change: p.Gly290Glu; replaces glycine 290 with glutamic acid.
Molecular consequence: missense variant. On other transcripts: intron variant (1).
Genome position (GRCh38, 1-based): chr8:9,029,853, G>A. VCF-style: chr8-9029853-G-A. GRCh37 (hg19) VCF-style: chr8-8887363-G-A.
Other names: c.635G>A, p.Gly212Glu (NM_001354635.2); c.524G>A, p.Gly175Glu (NM_001354636.2); c.807+9389G>A (NM_001354638.2); short protein forms G175E, G212E, G290E.
Identifiers: ClinVar variation 3252466 (VCV003252466.1), dbSNP rs2486309036.